The following is an entry in ClinVar:

NM_003673.4(TCAP):c.46G>A (p.Glu16Lys)

Gene: TCAP (titin-cap; plus strand). Cytogenetic location: 17q12.
Variant type: single nucleotide variant.
Coding change: c.46G>A on transcript NM_003673.4 (MANE Select); coding-DNA position 46, G replaced by A.
Protein change: p.Glu16Lys; replaces glutamic acid 16 with lysine.
Molecular consequence: missense variant.
Genome position (GRCh38, 1-based): chr17:39,665,405, G>A. VCF-style: chr17-39665405-G-A. GRCh37 (hg19) VCF-style: chr17-37821658-G-A.
Other names: short protein forms E16K.
Identifiers: ClinVar variation 1353178 (VCV001353178.8), dbSNP rs2145072261, ClinGen allele CA399302839.

ClinVar aggregate classification (germline): Uncertain significance (1 of 4 stars; one submission).

Conditions:
Primary familial hypertrophic cardiomyopathy (HCM). Identifiers: Orphanet 99739, MedGen C0949658, MeSH D024741, MONDO:0024573. Inheritance: Various modes of inheritance.
Hypertrophic cardiomyopathy 25 (CMH25). Also called: CARDIOMYOPATHY, FAMILIAL HYPERTROPHIC, 25. Identifiers: MedGen C4225408, MONDO:0011843, OMIM 607487.

Allele frequency attached by ClinVar (database versions not stated): gnomAD exomes below 0.00001.

Submission:

Labcorp Genetics (formerly Invitae), Labcorp
Classification: Uncertain significance for Hypertrophic cardiomyopathy 25; Primary familial hypertrophic cardiomyopathy. Last evaluated: 2025-02-28. Review status: criteria provided, single submitter. Criteria: Invitae Variant Classification Sherloc (09022015). Collection method: clinical testing. Allele origin: germline.
Comment: This sequence change replaces glutamic acid, which is acidic and polar, with lysine, which is basic and polar, at codon 16 of the TCAP protein (p.Glu16Lys). This variant is not present in population databases (gnomAD no frequency). This variant has not been reported in the literature in individuals affected with TCAP-related conditions. ClinVar contains an entry for this variant (Variation ID: 1353178). An algorithm developed to predict the effect of missense changes on protein structure and function (PolyPhen-2) suggests that this variant is likely to be tolerated. In summary, the available evidence is currently insufficient to determine the role of this variant in disease. Therefore, it has been classified as a Variant of Uncertain Significance.